The following is an entry in ClinVar:

ClinVar aggregate classification (germline): Likely benign (1 of 4 stars; one submission).

Submission:

CeGaT Center for Human Genetics Tuebingen
Classification: Likely benign. Last evaluated: 2025-10-01. Review status: criteria provided, single submitter. Criteria: CeGaT Center For Human Genetics Tuebingen Variant Classification Criteria Version 2. Collection method: clinical testing. Allele origin: germline. Affected: yes. Observed: 1 variant allele.
Comment: SCN4A: PM2:Supporting, BP4, BP7

NM_000334.4(SCN4A):c.4153C>T (p.Leu1385=)

Genes: GH-LCR (growth hormone locus control region; plus strand), SCN4A (sodium voltage-gated channel alpha subunit 4; minus strand). Cytogenetic location: 17q23.3.
Variant type: single nucleotide variant.
Coding change: c.4153C>T on transcript NM_000334.4 (MANE Select); coding-DNA position 4153, C replaced by T.
Protein change: p.Leu1385=; no amino-acid change (leucine 1385 retained).
Molecular consequence: synonymous variant.
Genome position (GRCh38, 1-based): chr17:63,942,961, G>A on the plus strand (C>T on the coding strand, the complement: SCN4A is on the minus strand). VCF-style: chr17-63942961-G-A. GRCh37 (hg19) VCF-style: chr17-62020321-G-A.
Identifiers: ClinVar variation 4534810 (VCV004534810.6).
Genomic context (GRCh38, chr17:63,942,961, plus strand): 5'-GCATCTTGAGCACGCACTCCCCTGTGAAGATGATGATGAAGATCATGTTGATGTTGTACA[G>A]GATGTCCACCTTGAGCTGGCTCTGGTTGTCTGTCTCCACCATCATGGTGACCATGTTGAG-3'
Protein context (NP_000325.4, residues 1375-1395): DNQSQLKVDI[Leu1385=]YNINMIFIII